The following is an entry in ClinVar:

NM_001211.6(BUB1B):c.872C>T (p.Thr291Ile)

Gene: BUB1B (BUB1 mitotic checkpoint serine/threonine kinase B; plus strand). Cytogenetic location: 15q15.1.
Variant type: single nucleotide variant.
Coding change: c.872C>T on transcript NM_001211.6 (MANE Select); coding-DNA position 872, C replaced by T.
Protein change: p.Thr291Ile; replaces threonine 291 with isoleucine.
Molecular consequence: missense variant.
Genome position (GRCh38, 1-based): chr15:40,185,285, C>T. VCF-style: chr15-40185285-C-T. GRCh37 (hg19) VCF-style: chr15-40477486-C-T.
Other names: short protein forms T291I.
Identifiers: ClinVar variation 1764469 (VCV001764469.2), dbSNP rs371305662, ClinGen allele CA391684464.

ClinVar aggregate classification (germline): Uncertain significance (1 of 4 stars; one submission).

Conditions:
Inborn genetic diseases. Identifiers: MedGen C0950123, MeSH D030342.

Allele frequency attached by ClinVar (database versions not stated): gnomAD exomes below 0.00001.
gnomAD v4.1: 1 of 1,614,148 alleles (0.000062%); highest among the groups gnomAD compares: Non-Finnish European, 0.000085%; no homozygotes.

Submission:

Ambry Genetics
Classification: Uncertain significance for Inborn genetic diseases. Last evaluated: 2022-09-25. Review status: criteria provided, single submitter. Criteria: Ambry Variant Classification Scheme 2023. Collection method: clinical testing. Allele origin: germline.
Comment: The p.T291I variant (also known as c.872C>T), located in coding exon 7 of the BUB1B gene, results from a C to T substitution at nucleotide position 872. The threonine at codon 291 is replaced by isoleucine, an amino acid with similar properties. This amino acid position is conserved. In addition, this alteration is predicted to be tolerated by in silico analysis. Since supporting evidence is limited at this time, the clinical significance of this alteration remains unclear.